The following is an entry in ClinVar:

NM_001267550.2(TTN):c.77320G>A (p.Val25774Ile)

Genes: TTN (titin; minus strand), TTN-AS1 (TTN antisense RNA 1; plus strand). Cytogenetic location: 2q31.2.
Variant type: single nucleotide variant.
Coding change: c.77320G>A on transcript NM_001267550.2 (MANE Select); coding-DNA position 77320, G replaced by A.
Protein change: p.Val25774Ile; replaces valine 25774 with isoleucine.
Molecular consequence: missense variant.
Genome position (GRCh38, 1-based): chr2:178,568,812, C>T on the plus strand (G>A on the coding strand, the complement: TTN is on the minus strand). VCF-style: chr2-178568812-C-T. GRCh37 (hg19) VCF-style: chr2-179433539-C-T.
Other names: c.72397G>A, p.Val24133Ile (NM_001256850.1); c.50125G>A, p.Val16709Ile (NM_003319.4); c.69616G>A, p.Val23206Ile (NM_133378.4); c.50500G>A, p.Val16834Ile (NM_133432.3); c.50701G>A, p.Val16901Ile (NM_133437.4); short protein forms V16709I, V16834I, V16901I, V23206I, V24133I, V25774I.
Identifiers: ClinVar variation 1693434 (VCV001693434.2), dbSNP rs56340968, ClinGen allele CA1989792.
Genomic context (GRCh38, chr2:178,568,812, plus strand): 5'-GATCTTTGGCAACTATTGGAACTGCAAGGGACCGAGGATCACTTCTCCCCTTTTCATTTA[C>T]AGCAACAACTCTAAAAAGATATTCTTCCCCTTGAGTTAGGTTGGTAATTACTGCCTGAAG-3'
Protein context (NP_001254479.2, residues 25764-25784): GEEYLFRVVA[Val25774Ile]NEKGRSDPRS

ClinVar aggregate classification (germline): Uncertain significance (1 of 4 stars; one submission).

Allele frequency attached by ClinVar (database versions not stated): ExAC 0.00002; gnomAD exomes 0.00002; TOPMed 0.00002; gnomAD 0.00003.
gnomAD v4.1: 8 of 1,613,092 alleles (0.0005%); highest among the groups gnomAD compares: African/African-American, 0.008%; no homozygotes.

Submission:

GeneDx
Classification: Uncertain significance. Last evaluated: 2022-01-03. Review status: criteria provided, single submitter. Criteria: GeneDx Variant Classification Process June 2021. Collection method: clinical testing. Allele origin: germline. Affected: yes.
Comment: Has not been previously reported as pathogenic or benign to our knowledge; Not observed at significant frequency in large population cohorts (gnomAD); Missense variant in a gene in which most reported pathogenic variants are truncating/loss-of-function